The following is an entry in ClinVar:

NM_001384474.1(LOXHD1):c.5295G>A (p.Trp1765Ter)

Gene: LOXHD1 (lipoxygenase homology PLAT domains 1; minus strand). Cytogenetic location: 18q21.1.
Variant type: single nucleotide variant.
Coding change: c.5295G>A on transcript NM_001384474.1 (MANE Select); coding-DNA position 5295, G replaced by A.
Protein change: p.Trp1765Ter; replaces tryptophan 1765 with a stop codon.
Molecular consequence: nonsense.
Genome position (GRCh38, 1-based): chr18:46,518,233, C>T on the plus strand (G>A on the coding strand, the complement: LOXHD1 is on the minus strand). VCF-style: chr18-46518233-C-T. GRCh37 (hg19) VCF-style: chr18-44098196-C-T.
Other names: c.1962G>A, p.Trp654Ter (NM_001145472.3); c.12G>A, p.Trp4Ter (NM_001145473.3, NM_001173129.2); c.1674G>A, p.Trp558Ter (NM_001308013.2); c.5109G>A, p.Trp1703Ter (NM_144612.7); short protein forms W4*, W558*, W1703*, W1765*, W654*.
Identifiers: ClinVar variation 1456838 (VCV001456838.6), dbSNP rs1364064979, ClinGen allele CA402369363.

ClinVar aggregate classification (germline): Pathogenic (1 of 4 stars; one submission).

Allele frequency attached by ClinVar (database versions not stated): TOPMed below 0.00001; gnomAD 0.00001.
gnomAD v4.1: 1 of 1,551,554 alleles (0.000064%); highest among the groups gnomAD compares: Non-Finnish European, 0.000087%; no homozygotes.

Submission:

Labcorp Genetics (formerly Invitae), Labcorp
Classification: Pathogenic. Last evaluated: 2023-10-20. Review status: criteria provided, single submitter. Criteria: Invitae Variant Classification Sherloc (09022015). Collection method: clinical testing. Allele origin: germline.
Comment: This sequence change creates a premature translational stop signal (p.Trp1703*) in the LOXHD1 gene. It is expected to result in an absent or disrupted protein product. Loss-of-function variants in LOXHD1 are known to be pathogenic (PMID: 19732867, 21465660, 25792669). This variant is not present in population databases (gnomAD no frequency). This variant has not been reported in the literature in individuals affected with LOXHD1-related conditions. ClinVar contains an entry for this variant (Variation ID: 1456838). For these reasons, this variant has been classified as Pathogenic.

Literature cited by the submitters: PubMed 19732867; PubMed 21465660; PubMed 25792669.